The following is an entry in ClinVar:

ClinVar aggregate classification (germline): Likely benign. Review status: criteria provided, multiple submitters, no conflicts (2 of 4 stars). 3 submissions from 3 submitters: Likely benign (3). Last evaluated 2024-11-01.

Conditions:
Melnick-Fraser syndrome (BOR). Also called: Branchiootorenal Syndrome (BORS); Branchiootorenal syndrome; Branchio-oto-renal syndrome. Identifiers: Orphanet 107, MedGen C0265234, MONDO:0007029.
Otofaciocervical syndrome 1 (OTFCS). Identifiers: MedGen C3714941, MONDO:0024532, OMIM 166780.
Branchiootic syndrome 1 (BOS1). Also called: BO SYNDROME 1; BRANCHIOOTIC DYSPLASIA. Identifiers: MedGen C1865143, MONDO:0011258, OMIM 602588.
Branchiootorenal syndrome 1. Also called: Branchio-Oto-Renal Syndrome 1. Identifiers: Orphanet 107, MedGen C4551702, MONDO:0007236, OMIM 113650.

Allele frequency attached by ClinVar (database versions not stated): TOPMed 0.00004; gnomAD 0.00005 and 0.00006; gnomAD exomes 0.00009; ExAC 0.00012; ESP Exome Variant Server 0.00015.
gnomAD v4.1: 168 of 1,614,024 alleles (0.01%); highest among the groups gnomAD compares: South Asian, 0.031%; no homozygotes.

Submissions (3):

CeGaT Center for Human Genetics Tuebingen
Classification: Likely benign. Last evaluated: 2024-11-01. Review status: criteria provided, single submitter. Criteria: CeGaT Center For Human Genetics Tuebingen Variant Classification Criteria Version 2. Collection method: clinical testing. Allele origin: germline. Affected: yes. Observed: 1 variant allele.
Comment: EYA1: BP4, BP7

Labcorp Genetics (formerly Invitae), Labcorp
Classification: Likely benign for Melnick-Fraser syndrome. Last evaluated: 2024-06-20. Review status: criteria provided, single submitter. Criteria: Invitae Variant Classification Sherloc (09022015). Collection method: clinical testing. Allele origin: germline.

Fulgent Genetics
Classification: Likely benign for Branchiootorenal syndrome 1; Otofaciocervical syndrome 1; Branchiootic syndrome 1. Last evaluated: 2021-10-23. Review status: criteria provided, single submitter. Criteria: ACMG Guidelines, 2015. Collection method: clinical testing. Allele origin: unknown.

NM_000503.6(EYA1):c.399G>A (p.Pro133=)

Gene: EYA1 (EYA transcriptional coactivator and phosphatase 1; minus strand). Cytogenetic location: 8q13.3.
Variant type: single nucleotide variant.
Coding change: c.399G>A on transcript NM_000503.6 (MANE Select); coding-DNA position 399, G replaced by A.
Protein change: p.Pro133=; no amino-acid change (proline 133 retained).
Molecular consequence: synonymous variant.
Genome position (GRCh38, 1-based): chr8:71,321,753, C>T on the plus strand (G>A on the coding strand, the complement: EYA1 is on the minus strand). VCF-style: chr8-71321753-C-T. GRCh37 (hg19) VCF-style: chr8-72233988-C-T.
Other names: c.396G>A, p.Pro132= (NM_001288574.2); c.48G>A, p.Pro16= (NM_001288575.2); c.486G>A, p.Pro162= (NM_001370333.1, NM_172059.5); c.399G>A, p.Pro133= (NM_001370334.1, NM_001370335.1, NM_172058.4); c.483G>A, p.Pro161= (NM_001370336.1).
Identifiers: ClinVar variation 772497 (VCV000772497.22), dbSNP rs146356299, ClinGen allele CA4779796.